The following is an entry in ClinVar:

ClinVar aggregate classification (germline): Benign (0 of 4 stars; one submission).

Conditions:
PLXNA4-related disorder. Also called: PLXNA4-related condition.

Allele frequency attached by ClinVar (database versions not stated): 1000 Genomes Project 0.00240; 1000 Genomes Project 30x 0.00265; gnomAD 0.00279; TOPMed 0.00331; ExAC 0.00340; gnomAD exomes 0.00340; ESP Exome Variant Server 0.00372.
gnomAD v4.1: 5,501 of 1,614,076 alleles (0.34%); highest among the groups gnomAD compares: Middle Eastern, 1.7%; 22 homozygotes.

Submission:

PreventionGenetics, part of Exact Sciences
Classification: Benign for PLXNA4-related condition. Last evaluated: 2020-04-29. Review status: no assertion criteria provided. Collection method: clinical testing. Allele origin: germline.
Comment: This variant is classified as benign based on ACMG/AMP sequence variant interpretation guidelines (Richards et al. 2015 PMID: 25741868, with internal and published modifications).

NM_020911.2(PLXNA4):c.5608C>T (p.His1870Tyr)

Gene: PLXNA4 (plexin A4; minus strand). Cytogenetic location: 7q32.3.
Variant type: single nucleotide variant.
Coding change: c.5608C>T on transcript NM_020911.2 (MANE Select); coding-DNA position 5608, C replaced by T.
Protein change: p.His1870Tyr; replaces histidine 1870 with tyrosine.
Molecular consequence: missense variant.
Genome position (GRCh38, 1-based): chr7:132,130,556, G>A on the plus strand (C>T on the coding strand, the complement: PLXNA4 is on the minus strand). VCF-style: chr7-132130556-G-A. GRCh37 (hg19) VCF-style: chr7-131815315-G-A.
Other names: c.5608C>T, p.His1870Tyr (NM_001393897.1); short protein forms H1870Y.
Identifiers: ClinVar variation 3041401 (VCV003041401.2), dbSNP rs150228337, ClinGen allele CA4488841.